The following is an entry in ClinVar:

ClinVar aggregate classification (germline): Uncertain significance (1 of 4 stars; one submission).

Conditions:
Hypertrophic cardiomyopathy 26. Also called: Cardiomyopathy, familial hypertrophic, 26. Identifiers: Orphanet 75249, MedGen C4310749, MONDO:0014883, OMIM 617047.

Submission:

Victorian Clinical Genetics Services, Murdoch Childrens Research Institute
Classification: Uncertain significance for Hypertrophic cardiomyopathy 26. Last evaluated: 2026-04-10. Review status: criteria provided, single submitter. Criteria: ACMG Guidelines, 2015. Collection method: clinical testing. Allele origin: germline. Affected: yes.
Comment: This variant is classified as VUS-3A. Evidence in support of pathogenic classification: Variant is absent from gnomAD (v2, v3 and v4). Additional information: Variant is predicted to result in a missense amino acid change from Pro to Ala; This variant is heterozygous; This gene is associated with autosomal dominant disease. Variants located throughout the gene that are predicted to result in nonsense-mediated decay (NMD) are enriched in dilated cardiomyopathy, whereas missense variants in the ROD2 domain are enriched in familial hypertrophic cardiomyopathy 26 and familial restrictive cardiomyopathy 5 (MIM#617047). Additionally, myofibrillar myopathy 5 (MIM#609524) is known to result from either missense variants in the ROD2 domain or truncating variants in the Ig-like domain 24, while missense variants in the actin-binding domain and NMD-predicted variants located in the Ig-like domain 15 and have been reported for distal myopathy 4 (MIM#614065) (PMID: 32112656); This variant has no previous evidence of pathogenicity; No published evidence of segregation with disease has been identified for this variant; No published functional evidence has been identified for this variant; No comparable missense variants have previous evidence for pathogenicity; Variant is located in the annotated filamin/ABP280 repeat domain (DECIPHER); Missense variant with inconclusive in silico prediction and/or uninformative conservation; Loss of function and gain of function are known mechanisms of disease in this gene. Loss of function is the established mechanism of disease for variants in dilated cardiomyopathy (PMID: 32112656), familial hypertrophic cardiomyopathy 26 (MIM#617047), familial restrictive cardiomyopathy 5 (MIM#617047) and myofibrillar myopathy 5 (MIM#609524), and recently has been associated with arrhythmogenic right ventricular cardiomyopathy (MONDO#0016587; PMID: 31627847). In distal myopathy 4 (MIM#614065), NMD-predicted variants cause a loss of function, however missense variants have been shown to result in a toxic gain of function (PMID: 32112656).

Literature cited by the submitters: PubMed 31627847; PubMed 32112656.

NM_001458.5(FLNC):c.4966C>G (p.Pro1656Ala)

Gene: FLNC (filamin C; plus strand). Cytogenetic location: 7q32.1.
Variant type: single nucleotide variant.
Coding change: c.4966C>G on transcript NM_001458.5 (MANE Select); coding-DNA position 4966, C replaced by G.
Protein change: p.Pro1656Ala; replaces proline 1656 with alanine.
Molecular consequence: missense variant.
Genome position (GRCh38, 1-based): chr7:128,849,345, C>G. VCF-style: chr7-128849345-C-G. GRCh37 (hg19) VCF-style: chr7-128489399-C-G.
Other names: c.4966C>G, p.Pro1656Ala (NM_001127487.2); short protein forms P1656A.
Identifiers: ClinVar variation 3255143 (VCV003255143.2), dbSNP rs2536650240.